The following is an entry in ClinVar:

NM_000444.6(PHEX):c.1812del (p.Thr605fs)

Genes: PHEX (phosphate regulating endopeptidase X-linked; plus strand), PTCHD1-AS (PTCHD1 and PHEX antisense RNA; minus strand). Cytogenetic location: Xp22.11.
Variant type: Deletion.
Coding change: c.1812del on transcript NM_000444.6 (MANE Select); coding-DNA position 1812, one base deleted (T; older notation c.1812delT).
Protein change: p.Thr605fs; shifts the reading frame from threonine 605.
Molecular consequence: frameshift variant.
Genome position (GRCh38, 1-based): chrX:22,221,656, T deleted. VCF-style (leftmost placement, unchanged base first): chrX-22221655-CT-C. GRCh37 (hg19) VCF-style: chrX-22239772-CT-C.
Other names: c.1812del, p.Thr605fs (NM_001282754.2); short protein forms T605fs.
Identifiers: ClinVar variation 1070461 (VCV001070461.7), dbSNP rs2147174436, ClinGen allele CA2499226581.
Genomic context (GRCh38, chrX:22,221,655, plus strand): 5'-AACTTTTCCTTTTGCTAGGTAGAAAATATGATAAAAATGGAAACCTGGATCCTTGGTGGT[CT>C]ACTGAATCAGAAGAAAAGTTTAAGGAAAAAACAAAATGCATGATTAACCAGTATAGCAAC-3'

ClinVar aggregate classification (germline): Pathogenic (1 of 4 stars; one submission).

Submission:

Labcorp Genetics (formerly Invitae), Labcorp
Classification: Pathogenic. Last evaluated: 2021-03-29. Review status: criteria provided, single submitter. Criteria: Invitae Variant Classification Sherloc (09022015). Collection method: clinical testing. Allele origin: germline.
Comment: This sequence change creates a premature translational stop signal (p.Thr605Leufs*14) in the PHEX gene. It is expected to result in an absent or disrupted protein product. This variant is not present in population databases (ExAC no frequency). This variant has not been reported in the literature in individuals with PHEX-related conditions. Loss-of-function variants in PHEX are known to be pathogenic (PMID: 9097956, 9106524, 19219621). For these reasons, this variant has been classified as Pathogenic.

Literature cited by the submitters: PubMed 9097956; PubMed 9106524; PubMed 19219621.